The following is an entry in ClinVar:

ClinVar aggregate classification (germline): Pathogenic (1 of 4 stars; one submission).

Submission:

GeneDx
Classification: Pathogenic. Last evaluated: 2018-10-16. Review status: criteria provided, single submitter. Criteria: GeneDx Variant Classification (06012015). Collection method: clinical testing. Allele origin: germline. Affected: yes.
Comment: The c.6560_6563dupTGCC variant in the NOTCH3 gene has not been reported previously as a pathogenic variant nor as a benign variant, to our knowledge. This variant causes a frameshift starting with codon Leucine 2189, changes this amino acid to an Alanine residue, and creates a premature Stop codon at position 54 of the new reading frame, denoted p.Leu2189AlafsX54. The c.6560_6563dupTGCC variant, located in the last exon of the NOTCH3 gene, is predicted to cause loss of normal protein function through protein truncation. This variant is not observed in large population cohorts (Lek et al., 2016). We interpret c.6560_6563dupTGCC as a pathogenic variant.

NM_000435.3(NOTCH3):c.6560_6563dup (p.Leu2189fs)

Gene: NOTCH3 (notch receptor 3; minus strand). Cytogenetic location: 19p13.12.
Variant type: Duplication.
Coding change: c.6560_6563dup on transcript NM_000435.3 (MANE Select); coding-DNA positions 6560 to 6563, 4 bases duplicated (TGCC; older notation c.6560_6563dupTGCC).
Protein change: p.Leu2189fs; shifts the reading frame from leucine 2189.
Molecular consequence: frameshift variant.
Genome position (GRCh38, 1-based): chr19:15,161,065-15,161,068, GGCA duplicated on the plus strand (TGCC on the coding strand, the reverse complement: NOTCH3 is on the minus strand); duplicating any 4 consecutive bases within chr19:15,161,065-15,161,069 gives the same sequence; the c. name uses the placement nearest the transcript's 3' end. VCF-style (leftmost placement, unchanged base first): chr19-15161064-T-TGGCA. GRCh37 (hg19) VCF-style: chr19-15271875-T-TGGCA.
Other names: short protein forms L2189fs.
Identifiers: ClinVar variation 817256 (VCV000817256.1), dbSNP rs1599359388, ClinGen allele CA915952537.
Genomic context (GRCh38, chr19:15,161,064, plus strand): 5'-GGGCCGCTCCTGCGGGGAGACGGGGGTCCCTGGGTTGAGCAGCTGGGGTCCCGGCGCCAG[T>TGGCA]GGCAGCAGGAACGAGGGGCCTGGAGGGGCAGGTGGGGGCAGCCGGGCCCAATCGAGGGGC-3'